The following continues an entry in ClinVar:

NM_018668.5(VPS33B):c.1656A>T (p.Thr552=)

Gene: VPS33B. ClinVar aggregate classification (germline): Benign. Benign (6).

Submissions 31 to 68 of 68:

Dr. Peter K. Rogan Lab, Western University
No classification provided (evidence only). Condition: Colorectal cancer. Review status: no classification provided. Collection method: in vitro. Allele origin: not applicable. Functional consequence: skipped exon. Not counted in ClinVar's aggregate classification.

Dr. Peter K. Rogan Lab, Western University
No classification provided (evidence only). Condition: Colorectal cancer. Review status: no classification provided. Collection method: in vitro. Allele origin: not applicable. Functional consequence: skipped exon. Not counted in ClinVar's aggregate classification.

Dr. Peter K. Rogan Lab, Western University
No classification provided (evidence only). Condition: Thyroid cancer, nonmedullary, 1. Review status: no classification provided. Collection method: in vitro. Allele origin: not applicable. Functional consequence: retained intron. Not counted in ClinVar's aggregate classification.

Dr. Peter K. Rogan Lab, Western University
No classification provided (evidence only). Condition: Thyroid cancer, nonmedullary, 1. Review status: no classification provided. Collection method: in vitro. Allele origin: not applicable. Functional consequence: retained intron. Not counted in ClinVar's aggregate classification.

Dr. Peter K. Rogan Lab, Western University
No classification provided (evidence only). Condition: Thyroid cancer, nonmedullary, 1. Review status: no classification provided. Collection method: in vitro. Allele origin: not applicable. Functional consequence: retained intron. Not counted in ClinVar's aggregate classification.

Dr. Peter K. Rogan Lab, Western University
No classification provided (evidence only). Condition: Thyroid cancer, nonmedullary, 1. Review status: no classification provided. Collection method: in vitro. Allele origin: not applicable. Functional consequence: retained intron. Not counted in ClinVar's aggregate classification.

Dr. Peter K. Rogan Lab, Western University
No classification provided (evidence only). Condition: Thyroid cancer, nonmedullary, 1. Review status: no classification provided. Collection method: in vitro. Allele origin: not applicable. Functional consequence: retained intron. Not counted in ClinVar's aggregate classification.

Dr. Peter K. Rogan Lab, Western University
No classification provided (evidence only). Condition: Cervical cancer. Review status: no classification provided. Collection method: in vitro. Allele origin: not applicable. Functional consequence: retained intron. Not counted in ClinVar's aggregate classification.

Dr. Peter K. Rogan Lab, Western University
No classification provided (evidence only). Condition: Cervical cancer. Review status: no classification provided. Collection method: in vitro. Allele origin: not applicable. Functional consequence: retained intron. Not counted in ClinVar's aggregate classification.

Dr. Peter K. Rogan Lab, Western University
No classification provided (evidence only). Condition: Cervical cancer. Review status: no classification provided. Collection method: in vitro. Allele origin: not applicable. Functional consequence: skipped exon, retained intron. Not counted in ClinVar's aggregate classification.

Dr. Peter K. Rogan Lab, Western University
No classification provided (evidence only). Condition: Cervical cancer. Review status: no classification provided. Collection method: in vitro. Allele origin: not applicable. Functional consequence: retained intron. Not counted in ClinVar's aggregate classification.

Dr. Peter K. Rogan Lab, Western University
No classification provided (evidence only). Condition: Cervical cancer. Review status: no classification provided. Collection method: in vitro. Allele origin: not applicable. Functional consequence: skipped exon, retained intron. Not counted in ClinVar's aggregate classification.

Dr. Peter K. Rogan Lab, Western University
No classification provided (evidence only). Condition: Cervical cancer. Review status: no classification provided. Collection method: in vitro. Allele origin: not applicable. Functional consequence: retained intron. Not counted in ClinVar's aggregate classification.

Dr. Peter K. Rogan Lab, Western University
No classification provided (evidence only). Condition: Cervical cancer. Review status: no classification provided. Collection method: in vitro. Allele origin: not applicable. Functional consequence: retained intron. Not counted in ClinVar's aggregate classification.

Dr. Peter K. Rogan Lab, Western University
No classification provided (evidence only). Condition: Cervical cancer. Review status: no classification provided. Collection method: in vitro. Allele origin: not applicable. Functional consequence: skipped exon, retained intron. Not counted in ClinVar's aggregate classification.

Dr. Peter K. Rogan Lab, Western University
No classification provided (evidence only). Condition: Cervical cancer. Review status: no classification provided. Collection method: in vitro. Allele origin: not applicable. Functional consequence: skipped exon. Not counted in ClinVar's aggregate classification.

Dr. Peter K. Rogan Lab, Western University
No classification provided (evidence only). Condition: Cervical cancer. Review status: no classification provided. Collection method: in vitro. Allele origin: not applicable. Functional consequence: retained intron. Not counted in ClinVar's aggregate classification.

Dr. Peter K. Rogan Lab, Western University
No classification provided (evidence only). Condition: Cervical cancer. Review status: no classification provided. Collection method: in vitro. Allele origin: not applicable. Functional consequence: retained intron. Not counted in ClinVar's aggregate classification.

Dr. Peter K. Rogan Lab, Western University
No classification provided (evidence only). Condition: Hepatocellular carcinoma. Review status: no classification provided. Collection method: in vitro. Allele origin: not applicable. Functional consequence: retained intron. Not counted in ClinVar's aggregate classification.

Dr. Peter K. Rogan Lab, Western University
No classification provided (evidence only). Condition: Hepatocellular carcinoma. Review status: no classification provided. Collection method: in vitro. Allele origin: not applicable. Functional consequence: skipped exon. Not counted in ClinVar's aggregate classification.

Dr. Peter K. Rogan Lab, Western University
No classification provided (evidence only). Condition: Hepatocellular carcinoma. Review status: no classification provided. Collection method: in vitro. Allele origin: not applicable. Functional consequence: skipped exon, retained intron. Not counted in ClinVar's aggregate classification.

Dr. Peter K. Rogan Lab, Western University
No classification provided (evidence only). Condition: Nonpapillary renal cell carcinoma. Review status: no classification provided. Collection method: in vitro. Allele origin: not applicable. Functional consequence: skipped exon. Not counted in ClinVar's aggregate classification.

Dr. Peter K. Rogan Lab, Western University
No classification provided (evidence only). Condition: Nonpapillary renal cell carcinoma. Review status: no classification provided. Collection method: in vitro. Allele origin: not applicable. Functional consequence: skipped exon, retained intron. Not counted in ClinVar's aggregate classification.

Dr. Peter K. Rogan Lab, Western University
No classification provided (evidence only). Condition: Thymoma. Review status: no classification provided. Collection method: in vitro. Allele origin: not applicable. Functional consequence: skipped exon, retained intron. Not counted in ClinVar's aggregate classification.

Dr. Peter K. Rogan Lab, Western University
No classification provided (evidence only). Condition: Thymoma. Review status: no classification provided. Collection method: in vitro. Allele origin: not applicable. Functional consequence: retained intron. Not counted in ClinVar's aggregate classification.

Dr. Peter K. Rogan Lab, Western University
No classification provided (evidence only). Condition: Thymoma. Review status: no classification provided. Collection method: in vitro. Allele origin: not applicable. Functional consequence: retained intron. Not counted in ClinVar's aggregate classification.

Dr. Peter K. Rogan Lab, Western University
No classification provided (evidence only). Condition: Thymoma. Review status: no classification provided. Collection method: in vitro. Allele origin: not applicable. Functional consequence: skipped exon, retained intron. Not counted in ClinVar's aggregate classification.

Dr. Peter K. Rogan Lab, Western University
No classification provided (evidence only). Condition: Ovarian serous cystadenocarcinoma. Review status: no classification provided. Collection method: in vitro. Allele origin: not applicable. Functional consequence: retained intron. Not counted in ClinVar's aggregate classification.

Dr. Peter K. Rogan Lab, Western University
No classification provided (evidence only). Condition: Ovarian serous cystadenocarcinoma. Review status: no classification provided. Collection method: in vitro. Allele origin: not applicable. Functional consequence: retained intron. Not counted in ClinVar's aggregate classification.

Dr. Peter K. Rogan Lab, Western University
No classification provided (evidence only). Condition: Ovarian serous cystadenocarcinoma. Review status: no classification provided. Collection method: in vitro. Allele origin: not applicable. Functional consequence: retained intron. Not counted in ClinVar's aggregate classification.

Dr. Peter K. Rogan Lab, Western University
No classification provided (evidence only). Condition: Gastric cancer. Review status: no classification provided. Collection method: in vitro. Allele origin: not applicable. Functional consequence: retained intron. Not counted in ClinVar's aggregate classification.

Dr. Peter K. Rogan Lab, Western University
No classification provided (evidence only). Condition: Gastric cancer. Review status: no classification provided. Collection method: in vitro. Allele origin: not applicable. Functional consequence: retained intron. Not counted in ClinVar's aggregate classification.

Dr. Peter K. Rogan Lab, Western University
No classification provided (evidence only). Condition: Adrenocortical carcinoma, hereditary. Review status: no classification provided. Collection method: in vitro. Allele origin: not applicable. Functional consequence: skipped exon. Not counted in ClinVar's aggregate classification.

Dr. Peter K. Rogan Lab, Western University
No classification provided (evidence only). Condition: Uterine carcinosarcoma. Review status: no classification provided. Collection method: in vitro. Allele origin: not applicable. Functional consequence: skipped exon. Not counted in ClinVar's aggregate classification.

Dr. Peter K. Rogan Lab, Western University
No classification provided (evidence only). Condition: Uterine carcinosarcoma. Review status: no classification provided. Collection method: in vitro. Allele origin: not applicable. Functional consequence: skipped exon. Not counted in ClinVar's aggregate classification.

Dr. Peter K. Rogan Lab, Western University
No classification provided (evidence only). Condition: Uterine carcinosarcoma. Review status: no classification provided. Collection method: in vitro. Allele origin: not applicable. Functional consequence: retained intron. Not counted in ClinVar's aggregate classification.

Dr. Peter K. Rogan Lab, Western University
No classification provided (evidence only). Condition: Malignant tumor of esophagus. Review status: no classification provided. Collection method: in vitro. Allele origin: not applicable. Functional consequence: retained intron. Not counted in ClinVar's aggregate classification.

Dr. Peter K. Rogan Lab, Western University
No classification provided (evidence only). Condition: Malignant tumor of esophagus. Review status: no classification provided. Collection method: in vitro. Allele origin: not applicable. Functional consequence: retained intron. Not counted in ClinVar's aggregate classification.